The following is an entry in ClinVar:

NM_004370.6(COL12A1):c.9010+5G>A

Gene: COL12A1 (collagen type XII alpha 1 chain; minus strand). Cytogenetic location: 6q13.
Variant type: single nucleotide variant.
Coding change: c.9010+5G>A on transcript NM_004370.6 (MANE Select); 5 bases into the intron after coding-DNA position 9010, G replaced by A.
Molecular consequence: intron variant.
Genome position (GRCh38, 1-based): chr6:75,089,101, C>T on the plus strand (G>A on the coding strand, the complement: COL12A1 is on the minus strand). VCF-style: chr6-75089101-C-T. GRCh37 (hg19) VCF-style: chr6-75798817-C-T.
Other names: c.5518+5G>A (NM_080645.3).
Identifiers: ClinVar variation 1959814 (VCV001959814.5), dbSNP rs2533023728, ClinGen allele CA2580075780.

ClinVar aggregate classification (germline): Uncertain significance (1 of 4 stars; one submission).

Conditions:
Ullrich congenital muscular dystrophy 2 (UCMD2). Identifiers: Orphanet 75840, MedGen C4225314, MONDO:0014654, OMIM 616470.
Bethlem myopathy 2 (BTHLM2). Identifiers: Orphanet 536516, Orphanet 610, MedGen C4225313, MONDO:0034022, OMIM 616471.

Submission:

Labcorp Genetics (formerly Invitae), Labcorp
Classification: Uncertain significance for Bethlem myopathy 2; Ullrich congenital muscular dystrophy 2. Last evaluated: 2022-10-22. Review status: criteria provided, single submitter. Criteria: Invitae Variant Classification Sherloc (09022015). Collection method: clinical testing. Allele origin: germline.
Comment: In summary, the available evidence is currently insufficient to determine the role of this variant in disease. Therefore, it has been classified as a Variant of Uncertain Significance. Variants that disrupt the consensus splice site are a relatively common cause of aberrant splicing (PMID: 17576681, 9536098). Algorithms developed to predict the effect of sequence changes on RNA splicing suggest that this variant is not likely to affect RNA splicing. This variant has not been reported in the literature in individuals affected with COL12A1-related conditions. This variant is not present in population databases (gnomAD no frequency). This sequence change falls in intron 64 of the COL12A1 gene. It does not directly change the encoded amino acid sequence of the COL12A1 protein. It affects a nucleotide within the consensus splice site.

Literature cited by the submitters: PubMed 17576681; PubMed 9536098.